The following is an entry in ClinVar:

ClinVar aggregate classification (germline): Pathogenic (1 of 4 stars; one submission).

Conditions:
Autosomal recessive limb-girdle muscular dystrophy type 2A (LGMDR1). Also called: LEYDEN-MOEBIUS MUSCULAR DYSTROPHY; MUSCULAR DYSTROPHY, PELVOFEMORAL; Limb-girdle muscular dystrophy, type 2A; Muscular dystrophy, limb-girdle, type 2A, Amish; Calpainopathy. Identifiers: Orphanet 267, MedGen C1869123, MONDO:0009675, OMIM 253600. Disease mechanism: loss of function.

Submission:

Labcorp Genetics (formerly Invitae), Labcorp
Classification: Pathogenic for Autosomal recessive limb-girdle muscular dystrophy type 2A. Last evaluated: 2021-11-15. Review status: criteria provided, single submitter. Criteria: Invitae Variant Classification Sherloc (09022015). Collection method: clinical testing. Allele origin: germline.
Comment: This variant is a gross deletion of the genomic region encompassing exon(s) 1 of the CAPN3 gene, which includes the initiator codon. This deletion extends beyond the assayed region for this gene and therefore may encompass additional genes. It is expected to result in an absent or disrupted protein product. Loss-of-function variants in CAPN3 are known to be pathogenic (PMID: 10330340, 15689361). A similar copy number variant has been observed in individual(s) with autosomal recessive muscular dystrophy (PMID: 25987458). For these reasons, this variant has been classified as Pathogenic.

Literature cited by the submitters: PubMed 10330340; PubMed 15689361; PubMed 25987458.

NC_000015.10:g.(?_42359796)_(42360124_?)del

Gene: CAPN3 (calpain 3; plus strand). Cytogenetic location: 15q15.1.
Variant type: Deletion.
Identifiers: ClinVar variation 640989 (VCV000640989.6).